The following is an entry in ClinVar:

NM_000038.6(APC):c.8293A>G (p.Ser2765Gly)

Gene: APC (APC regulator of Wnt signaling pathway; plus strand). Cytogenetic location: 5q22.2.
Variant type: single nucleotide variant.
Coding change: c.8293A>G on transcript NM_000038.6 (MANE Select); coding-DNA position 8293, A replaced by G.
Protein change: p.Ser2765Gly; replaces serine 2765 with glycine.
Molecular consequence: missense variant.
Genome position (GRCh38, 1-based): chr5:112,843,887, A>G. VCF-style: chr5-112843887-A-G. GRCh37 (hg19) VCF-style: chr5-112179584-A-G.
Other names: c.8293A>G, p.Ser2765Gly (NM_001127510.3, NM_001354895.2); c.8239A>G, p.Ser2747Gly (NM_001127511.3); c.8347A>G, p.Ser2783Gly (NM_001354896.2); c.8323A>G, p.Ser2775Gly (NM_001354897.2); c.8218A>G, p.Ser2740Gly (NM_001354898.2); c.8209A>G, p.Ser2737Gly (NM_001354899.2); c.8170A>G, p.Ser2724Gly (NM_001354900.2); c.8116A>G, p.Ser2706Gly (NM_001354901.2); and 5 more; short protein forms S2747G, S2765G, S2639G, S2664G, S2674G, S2740G, S2775G, S2482G.
Identifiers: ClinVar variation 537543 (VCV000537543.11), dbSNP rs1554089051, ClinGen allele CA16039323.
Genomic context (GRCh38, chr5:112,843,887, plus strand): 5'-CCTGTCCCTGTATCAGAGACTAATGAAAGTTCTATAGTGGAACGTACCCCATTCAGTTCT[A>G]GCAGCTCAAGCAAACACAGTTCACCTAGTGGGACTGTTGCTGCCAGAGTGACTCCTTTTA-3'
Protein context (NP_000029.2, residues 2755-2775): SIVERTPFSS[Ser2765Gly]SSSKHSSPSG

ClinVar aggregate classification (germline): Uncertain significance. Review status: criteria provided, multiple submitters, no conflicts (2 of 4 stars). 2 submissions from 2 submitters: Uncertain significance (2). Last evaluated 2024-06-22.

Conditions:
Familial adenomatous polyposis 1 (FAP1). Also called: FAMILIAL ADENOMATOUS POLYPOSIS 1, ATTENUATED; POLYPOSIS, ADENOMATOUS INTESTINAL. Identifiers: MedGen C2713442, MONDO:0021056, OMIM 175100. Disease mechanism: loss of function.
Hereditary cancer-predisposing syndrome. Also called: Tumor predisposition; Hereditary Cancer Syndrome; Hereditary neoplastic syndrome; Neoplastic Syndromes, Hereditary. Identifiers: Orphanet 140162, MedGen C0027672, MeSH D009386, MONDO:0015356.

Allele frequency attached by ClinVar (database versions not stated): gnomAD exomes below 0.00001.
gnomAD v4.1: 1 of 1,614,000 alleles (0.000062%); highest among the groups gnomAD compares: Non-Finnish European, 0.000085%; no homozygotes.

Submissions (2):

Labcorp Genetics (formerly Invitae), Labcorp
Classification: Uncertain significance for Familial adenomatous polyposis 1. Last evaluated: 2024-06-22. Review status: criteria provided, single submitter. Criteria: Invitae Variant Classification Sherloc (09022015). Collection method: clinical testing. Allele origin: germline.
Comment: This sequence change replaces serine, which is neutral and polar, with glycine, which is neutral and non-polar, at codon 2765 of the APC protein (p.Ser2765Gly). This variant is not present in population databases (gnomAD no frequency). This variant has not been reported in the literature in individuals affected with APC-related conditions. ClinVar contains an entry for this variant (Variation ID: 537543). Advanced modeling of protein sequence and biophysical properties (such as structural, functional, and spatial information, amino acid conservation, physicochemical variation, residue mobility, and thermodynamic stability) performed at Invitae indicates that this missense variant is not expected to disrupt APC protein function with a negative predictive value of 95%. In summary, the available evidence is currently insufficient to determine the role of this variant in disease. Therefore, it has been classified as a Variant of Uncertain Significance.

Ambry Genetics
Classification: Uncertain significance for Hereditary cancer-predisposing syndrome. Last evaluated: 2023-08-13. Review status: criteria provided, single submitter. Criteria: Ambry Variant Classification Scheme 2023. Collection method: clinical testing. Allele origin: germline.
Comment: The p.S2765G variant (also known as c.8293A>G), located in coding exon 15 of the APC gene, results from an A to G substitution at nucleotide position 8293. The serine at codon 2765 is replaced by glycine, an amino acid with similar properties. This amino acid position is conserved. In addition, in silico predictors for this gene do not accurately predict pathogenicity. Since supporting evidence is limited at this time, the clinical significance of this alteration remains unclear.